The following is an entry in ClinVar:

ClinVar aggregate classification (germline): Uncertain significance (1 of 4 stars; one submission).

Conditions:
POLD1-related polyposis and colorectal cancer syndrome (CRCS10). Also called: Colorectal cancer, susceptibility to, 10; Colorectal cancer 10; COLORECTAL CANCER, SUSCEPTIBILITY TO, ON CHROMOSOME 19q. Identifiers: Orphanet 220460, MedGen C2675481, MONDO:0012953, OMIM 612591.

gnomAD v4.1: 1 of 1,589,322 alleles (0.000063%); highest among the groups gnomAD compares: Admixed American, 0.0018%; no homozygotes.

Submission:

Labcorp Genetics (formerly Invitae), Labcorp
Classification: Uncertain significance for POLD1-related polyposis and colorectal cancer syndrome. Last evaluated: 2024-09-19. Review status: criteria provided, single submitter. Criteria: Invitae Variant Classification Sherloc (09022015). Collection method: clinical testing. Allele origin: germline.
Comment: This sequence change replaces arginine, which is basic and polar, with glycine, which is neutral and non-polar, at codon 850 of the POLD1 protein (p.Arg850Gly). This variant is not present in population databases (gnomAD no frequency). This variant has not been reported in the literature in individuals affected with POLD1-related conditions. ClinVar contains an entry for this variant (Variation ID: 1394197). Invitae Evidence Modeling of protein sequence and biophysical properties (such as structural, functional, and spatial information, amino acid conservation, physicochemical variation, residue mobility, and thermodynamic stability) indicates that this missense variant is not expected to disrupt POLD1 protein function with a negative predictive value of 80%. In summary, the available evidence is currently insufficient to determine the role of this variant in disease. Therefore, it has been classified as a Variant of Uncertain Significance.

NM_002691.4(POLD1):c.2548C>G (p.Arg850Gly)

Gene: POLD1 (DNA polymerase delta 1, catalytic subunit; plus strand). Cytogenetic location: 19q13.33.
Variant type: single nucleotide variant.
Coding change: c.2548C>G on transcript NM_002691.4 (MANE Select); coding-DNA position 2548, C replaced by G.
Protein change: p.Arg850Gly; replaces arginine 850 with glycine.
Molecular consequence: missense variant. On other transcripts: non-coding transcript variant (1).
Genome position (GRCh38, 1-based): chr19:50,414,974, C>G. VCF-style: chr19-50414974-C-G. GRCh37 (hg19) VCF-style: chr19-50918231-C-G.
Other names: c.2548C>G, p.Arg850Gly (NM_001256849.1); c.2626C>G, p.Arg876Gly (NM_001308632.1); short protein forms R850G, R876G.
Identifiers: ClinVar variation 1394197 (VCV001394197.8), dbSNP rs760898812, ClinGen allele CA406985224.